The following is an entry in ClinVar:

ClinVar aggregate classification (germline): Uncertain significance (1 of 4 stars; one submission).

Conditions:
Hereditary cancer-predisposing syndrome. Also called: Neoplastic Syndromes, Hereditary; Tumor predisposition; Hereditary neoplastic syndrome; Hereditary Cancer Syndrome. Identifiers: Orphanet 140162, MedGen C0027672, MeSH D009386, MONDO:0015356.

Submission:

Ambry Genetics
Classification: Uncertain significance for Hereditary cancer-predisposing syndrome. Last evaluated: 2024-04-17. Review status: criteria provided, single submitter. Criteria: Ambry Variant Classification Scheme 2023. Collection method: clinical testing. Allele origin: germline.
Comment: The p.P1297A variant (also known as c.3889C>G), located in coding exon 27 of the SMARCA4 gene, results from a C to G substitution at nucleotide position 3889. The proline at codon 1297 is replaced by alanine, an amino acid with highly similar properties. This amino acid position is highly conserved in available vertebrate species. In addition, the in silico prediction for this alteration is inconclusive. Based on the available evidence, the clinical significance of this variant remains unclear.

NM_003072.5(SMARCA4):c.3889C>G (p.Pro1297Ala)

Gene: SMARCA4 (SWI/SNF related BAF chromatin remodeling complex subunit ATPase 4; plus strand). Cytogenetic location: 19p13.2.
Variant type: single nucleotide variant.
Coding change: c.3889C>G on transcript NM_003072.5 (MANE Select); coding-DNA position 3889, C replaced by G.
Protein change: p.Pro1297Ala; replaces proline 1297 with alanine.
Molecular consequence: missense variant. On other transcripts: non-coding transcript variant (1).
Genome position (GRCh38, 1-based): chr19:11,034,138, C>G. VCF-style: chr19-11034138-C-G. GRCh37 (hg19) VCF-style: chr19-11144814-C-G.
Other names: c.3889C>G, p.Pro1297Ala (NM_001128844.3, NM_001128849.3, NM_001387283.1); c.3790C>G, p.Pro1264Ala (NM_001128845.2, NM_001128846.2, NM_001128847.4 and 3 more transcripts); short protein forms P1264A, P1297A.
Identifiers: ClinVar variation 3320696 (VCV003320696.1).